The following is an entry in ClinVar:

NM_001008215.3(COA5):c.-32A>G

Gene: COA5 (cytochrome c oxidase assembly factor 5; minus strand). Cytogenetic location: 2q11.2.
Variant type: single nucleotide variant.
Coding change: c.-32A>G on transcript NM_001008215.3 (MANE Select); 32 bases upstream of the start codon, A replaced by G.
Molecular consequence: 5 prime UTR variant.
Genome position (GRCh38, 1-based): chr2:98,608,437, T>C on the plus strand (A>G on the coding strand, the complement: COA5 is on the minus strand). VCF-style: chr2-98608437-T-C. GRCh37 (hg19) VCF-style: chr2-99224900-T-C.
Identifiers: ClinVar variation 668339 (VCV000668339.1), dbSNP rs1575226737, ClinGen allele CA915944086.

ClinVar aggregate classification (germline): Likely benign (1 of 4 stars; one submission).

Allele frequency attached by ClinVar (database versions not stated): gnomAD exomes below 0.00001.
gnomAD v4.1: 3 of 1,503,428 alleles (0.0002%); highest among the groups gnomAD compares: Middle Eastern, 0.051%; no homozygotes.

Submission:

GeneDx
Classification: Likely benign. Last evaluated: 2018-06-01. Review status: criteria provided, single submitter. Criteria: GeneDx Variant Classification (06012015). Collection method: clinical testing. Allele origin: germline. Affected: yes.
Comment: This variant is considered likely benign or benign based on one or more of the following criteria: it is a conservative change, it occurs at a poorly conserved position in the protein, it is predicted to be benign by multiple in silico algorithms, and/or has population frequency not consistent with disease.